The following is an entry in ClinVar:

ClinVar aggregate classification (germline): Uncertain significance (1 of 4 stars; one submission).

Conditions:
Hereditary cancer-predisposing syndrome. Also called: Neoplastic Syndromes, Hereditary; Tumor predisposition; Hereditary neoplastic syndrome; Hereditary Cancer Syndrome. Identifiers: Orphanet 140162, MedGen C0027672, MeSH D009386, MONDO:0015356.

Submission:

Ambry Genetics
Classification: Uncertain significance for Hereditary cancer-predisposing syndrome. Last evaluated: 2026-07-11. Review status: criteria provided, single submitter. Criteria: Ambry Variant Classification Scheme 2023. Collection method: clinical testing. Allele origin: germline.
Comment: The p.L731F variant (also known as c.2193A>T), located in coding exon 5 of the PALB2 gene, results from an A to T substitution at nucleotide position 2193. The leucine at codon 731 is replaced by phenylalanine, an amino acid with highly similar properties. This amino acid position is conserved. In addition, this alteration is predicted to be tolerated by in silico analysis. Based on the available evidence, the clinical significance of this variant remains unclear.

NM_024675.4(PALB2):c.2193A>T (p.Leu731Phe)

Gene: PALB2 (partner and localizer of BRCA2; minus strand). Cytogenetic location: 16p12.2.
Variant type: single nucleotide variant.
Coding change: c.2193A>T on transcript NM_024675.4 (MANE Select); coding-DNA position 2193, A replaced by T.
Protein change: p.Leu731Phe; replaces leucine 731 with phenylalanine.
Molecular consequence: missense variant. On other transcripts: intron variant (1).
Genome position (GRCh38, 1-based): chr16:23,629,961, T>A on the plus strand (A>T on the coding strand, the complement: PALB2 is on the minus strand). VCF-style: chr16-23629961-T-A. GRCh37 (hg19) VCF-style: chr16-23641282-T-A.
Other names: c.2193A>T, p.Leu731Phe (NM_001407298.1, NM_001407299.1, NM_001407300.1 and 3 more transcripts); c.1308A>T, p.Leu436Phe (NM_001407304.1, NM_001407305.1, NM_001407306.1 and 5 more transcripts); c.405A>T, p.Leu135Phe (NM_001407312.1, NM_001407313.1); c.49-686A>T (NM_001407314.1); c.2133A>T, p.Leu711Phe (NM_001407296.1); short protein forms L135F, L711F, L436F, L731F.
Identifiers: ClinVar variation 5026172 (VCV005026172.1).